The following is an entry in ClinVar:

ClinVar aggregate classification (germline): Pathogenic (1 of 4 stars; one submission).

Conditions:
Duchenne muscular dystrophy (DMD). Also called: Duchenne Muscular Dystrophy (DMD); MUSCULAR DYSTROPHY, PSEUDOHYPERTROPHIC PROGRESSIVE, DUCHENNE TYPE. Identifiers: Orphanet 98896, MedGen C0013264, MONDO:0010679, OMIM 310200.

Submission:

Labcorp Genetics (formerly Invitae), Labcorp
Classification: Pathogenic for Duchenne muscular dystrophy. Last evaluated: 2022-04-15. Review status: criteria provided, single submitter. Criteria: Invitae Variant Classification Sherloc (09022015). Collection method: clinical testing. Allele origin: germline.
Comment: This variant is a gross deletion of the genomic region encompassing exon(s) 63-67 of the DMD gene. This deletion is out-of-frame, and is expected to create a premature termination codon and result in an absent or disrupted protein product. Loss-of-function variants in DMD are known to be pathogenic (PMID: 16770791, 25007885). This variant has not been reported in the literature in individuals affected with DMD-related conditions. For these reasons, this variant has been classified as Pathogenic.

Literature cited by the submitters: PubMed 16770791; PubMed 25007885.

NC_000023.10:g.(?_31222058)_(31279781_?)del

Gene: DMD (dystrophin; minus strand). Cytogenetic location: Xp21.2.
Variant type: Deletion.
Identifiers: ClinVar variation 2424933 (VCV002424933.5).